The following is an entry in ClinVar:

NM_030632.3(ASXL3):c.1500del (p.Glu500fs)

Gene: ASXL3 (ASXL transcriptional regulator 3; plus strand). Cytogenetic location: 18q12.1.
Variant type: Deletion.
Coding change: c.1500del on transcript NM_030632.3 (MANE Select); coding-DNA position 1500, one base deleted (A; older notation c.1500delA).
Protein change: p.Glu500fs; shifts the reading frame from glutamic acid 500.
Molecular consequence: frameshift variant.
Genome position (GRCh38, 1-based): chr18:33,738,904, A deleted; the last of 2 consecutive A bases (chr18:33,738,903-33,738,904); deleting either gives the same sequence. VCF-style (leftmost placement, unchanged base first): chr18-33738902-GA-G. GRCh37 (hg19) VCF-style: chr18-31318866-GA-G.
Other names: c.1500delA (NM_030632.1); short protein forms E500fs.
Identifiers: ClinVar variation 560241 (VCV000560241.5), dbSNP rs1568359734, ClinGen allele CA658824627.
Genomic context (GRCh38, chr18:33,738,902, plus strand): 5'-GCTGAAAGTCTAACCAATTCTCATGAAGAACCCCAAATAGCACCTCCTGAAGATAACTTG[GA>G]ATCCTGTGTTATGATGAATGATGTTTTAGAAACTTTGCCTCATATTGAAGTTAAGATAGA-3'

ClinVar aggregate classification (germline): Pathogenic. Review status: criteria provided, multiple submitters, no conflicts (2 of 4 stars). 2 submissions from 2 submitters: Pathogenic (2). Last evaluated 2020-09-23.

Conditions:
Bainbridge-Ropers syndrome. Also called: Severe feeding difficulties-failure to thrive-microcephaly due to ASXL3 deficiency syndrome. Identifiers: Orphanet 352577, MedGen C4750837, MONDO:0014205, OMIM 615485.

Submissions (2):

GeneDx
Classification: Pathogenic. Last evaluated: 2020-09-23. Review status: criteria provided, single submitter. Criteria: GeneDx Variant Classification Process June 2021. Collection method: clinical testing. Allele origin: germline. Affected: yes.
Comment: Frameshift variant predicted to result in protein truncation or nonsense mediated decay in a gene for which loss-of-function is a known mechanism of disease; This variant is associated with the following publications: (PMID: 26633542)

Geisinger Autism and Developmental Medicine Institute, Geisinger Health System
Classification: Pathogenic for Bainbridge-Ropers syndrome. Last evaluated: 2018-02-21. Review status: criteria provided, single submitter. Criteria: ACMG Guidelines, 2015. Collection method: provider interpretation, clinical testing. Allele origin: de novo. Affected: yes. Observed: 1 variant allele.
Comment: This variant is absent from the gnomAD database. It is predicted to result in a frameshift and premature stop codon, and it was found to be de novo (with maternity and paternity confirmed).